The following is an entry in ClinVar:

ClinVar aggregate classification (germline): Uncertain significance (1 of 4 stars; one submission).

Allele frequency attached by ClinVar (database versions not stated): gnomAD 0.00001; TOPMed 0.00002.
gnomAD v4.1: 6 of 1,614,090 alleles (0.00037%); highest among the groups gnomAD compares: Admixed American, 0.0017%; no homozygotes.

Submission:

Labcorp Genetics (formerly Invitae), Labcorp
Classification: Uncertain significance. Last evaluated: 2023-06-24. Review status: criteria provided, single submitter. Criteria: Invitae Variant Classification Sherloc (09022015). Collection method: clinical testing. Allele origin: germline.
Comment: This sequence change replaces methionine, which is neutral and non-polar, with arginine, which is basic and polar, at codon 361 of the MCM4 protein (p.Met361Arg). In summary, the available evidence is currently insufficient to determine the role of this variant in disease. Therefore, it has been classified as a Variant of Uncertain Significance. Advanced modeling of protein sequence and biophysical properties (such as structural, functional, and spatial information, amino acid conservation, physicochemical variation, residue mobility, and thermodynamic stability) performed at Invitae indicates that this missense variant is expected to disrupt MCM4 protein function. This variant has not been reported in the literature in individuals affected with MCM4-related conditions. This variant is not present in population databases (gnomAD no frequency).

NM_182746.3(MCM4):c.1082T>G (p.Met361Arg)

Gene: MCM4 (minichromosome maintenance complex component 4; plus strand). Cytogenetic location: 8q11.21.
Variant type: single nucleotide variant.
Coding change: c.1082T>G on transcript NM_182746.3 (MANE Select); coding-DNA position 1082, T replaced by G.
Protein change: p.Met361Arg; replaces methionine 361 with arginine.
Molecular consequence: missense variant.
Genome position (GRCh38, 1-based): chr8:47,967,393, T>G. VCF-style: chr8-47967393-T-G. GRCh37 (hg19) VCF-style: chr8-48879953-T-G.
Other names: c.1082T>G, p.Met361Arg (NM_005914.4); short protein forms M361R.
Identifiers: ClinVar variation 2975995 (VCV002975995.3), dbSNP rs1462986504, ClinGen allele CA371149890.
Genomic context (GRCh38, chr8:47,967,393, plus strand): 5'-GGCCCACATGTTCTCTGTTTGCTGACCTTCAGATCAAGCTTCAGGAGTCTCCGGAAGACA[T>G]GCCTGCAGGGCAGACACCACACACAGTTATCCTGTTTGCTCACAATGATCTCGTTGACAA-3'
Protein context (NP_877423.1, residues 351-371): MIKLQESPED[Met361Arg]PAGQTPHTVI